The following is an entry in ClinVar:

ClinVar aggregate classification (germline): Conflicting classifications of pathogenicity. Review status: criteria provided, conflicting classifications (1 of 4 stars). 2 submissions from 2 submitters: Pathogenic (1); Uncertain significance (1). Last evaluated 2021-12-08.

Conditions:
Costello syndrome (CSTLO). Also called: FACIOCUTANEOSKELETAL SYNDROME; FCS SYNDROME; HRAS-Related Costello Syndrome. Identifiers: Orphanet 3071, MedGen C0587248, MONDO:0009026, OMIM 218040.

Submissions (2):

Institute of Human Genetics, University Medical Center Hamburg-Eppendorf
Classification: Pathogenic for Costello syndrome. Last evaluated: 2021-12-08. Review status: criteria provided, single submitter. Criteria: ACMG Guidelines, 2015. Collection method: clinical testing. Allele origin: de novo. Inheritance: Autosomal dominant inheritance. Affected: yes. Observed: 2 heterozygotes. Clinical features observed: Polyhydramnios (HP:0001561), Thumbs, congenital Clasped (HP:0001181), Macrocephaly (HP:0000256), Fetal overgrowth, Limb shortening, Varus posture of wrist joints, Elbow flexion contracture (HP:0002987), Cardiac arrhythmia (HP:0011675), Moderate global developmental delay (HP:0011343), Apnea (HP:0002104), Laryngeal obstruction (HP:0005945), Pharyngeal obstruction, and 13 more.
Comment: The c.466T>C p.(Phe156Leu) in HRAS is reported in two patients with attenuated Costello syndrome.

Blueprint Genetics
Classification: Uncertain significance. Last evaluated: 2020-09-10. Review status: criteria provided, single submitter. Criteria: ACMG Guidelines, 2015. Collection method: clinical testing. Allele origin: germline.

NM_005343.4(HRAS):c.466T>C (p.Phe156Leu)

Genes: HRAS (HRas proto-oncogene, GTPase; minus strand), LRRC56 (leucine rich repeat containing 56; plus strand). Cytogenetic location: 11p15.5.
Variant type: single nucleotide variant.
Coding change: c.466T>C on transcript NM_005343.4 (MANE Select); coding-DNA position 466, T replaced by C.
Protein change: p.Phe156Leu; replaces phenylalanine 156 with leucine.
Molecular consequence: missense variant. On other transcripts: 3 prime UTR variant (1).
Genome position (GRCh38, 1-based): chr11:532,740, A>G on the plus strand (T>C on the coding strand, the complement: HRAS is on the minus strand). VCF-style: chr11-532740-A-G. GRCh37 (hg19) VCF-style: chr11-532740-A-G.
Other names: c.466T>C, p.Phe156Leu (NM_001130442.3); c.229T>C, p.Phe77Leu (NM_001318054.2); c.*35T>C (NM_176795.5); short protein forms F156L, F77L.
Identifiers: ClinVar variation 1327492 (VCV001327492.3), dbSNP rs2133982557, ClinGen allele CA378921204.
Genomic context (GRCh38, chr11:532,740, plus strand): 5'-CATCAGGAGGGTTCAGCTTCCGCAGCTTGTGCTGCCGGATCTCACGCACCAACGTGTAGA[A>G]GGCATCCTCCACTCCCTGGGAAAGGAGGGATGGGATCAGGAGGGACCGGCCTGTGGCCGC-3'
Protein context (NP_005334.1, residues 146-166): AKTRQGVEDA[Phe156Leu]YTLVREIRQH